The following is an entry in ClinVar:

ClinVar aggregate classification (germline): Uncertain significance (1 of 4 stars; one submission).

Conditions:
Chuvash polycythemia. Also called: POLYCYTHEMIA, VHL-DEPENDENT. Identifiers: Orphanet 238557, MedGen C1837915, MONDO:0009892, OMIM 263400.
Von Hippel-Lindau syndrome (VHLS). Also called: von Hippel–Lindau syndrome; Von Hippel-Lindau; VHL syndrome. Identifiers: Orphanet 892, MedGen C0019562, MONDO:0008667, OMIM 193300. Disease mechanism: loss of function.

Submission:

Labcorp Genetics (formerly Invitae), Labcorp
Classification: Uncertain significance for Von Hippel-Lindau syndrome; Chuvash polycythemia. Last evaluated: 2021-10-06. Review status: criteria provided, single submitter. Criteria: Invitae Variant Classification Sherloc (09022015). Collection method: clinical testing. Allele origin: germline.
Comment: In summary, the available evidence is currently insufficient to determine the role of this variant in disease. Therefore, it has been classified as a Variant of Uncertain Significance. Advanced modeling of protein sequence and biophysical properties (such as structural, functional, and spatial information, amino acid conservation, physicochemical variation, residue mobility, and thermodynamic stability) performed at Invitae indicates that this missense variant is not expected to disrupt VHL protein function. This variant has not been reported in the literature in individuals affected with VHL-related conditions. The frequency data for this variant in the population databases is considered unreliable, as metrics indicate insufficient coverage at this position in the ExAC database. This sequence change replaces aspartic acid with valine at codon 28 of the VHL protein (p.Asp28Val). The aspartic acid residue is weakly conserved and there is a large physicochemical difference between aspartic acid and valine.

NM_000551.4(VHL):c.83A>T (p.Asp28Val)

Gene: VHL (von Hippel-Lindau tumor suppressor; plus strand). Cytogenetic location: 3p25.3.
Variant type: single nucleotide variant.
Coding change: c.83A>T on transcript NM_000551.4 (MANE Select); coding-DNA position 83, A replaced by T.
Protein change: p.Asp28Val; replaces aspartic acid 28 with valine.
Molecular consequence: missense variant.
Genome position (GRCh38, 1-based): chr3:10,141,930, A>T. VCF-style: chr3-10141930-A-T. GRCh37 (hg19) VCF-style: chr3-10183614-A-T.
Other names: c.83A>T, p.Asp28Val (NM_001354723.2, NM_198156.3); short protein forms D28V.
Identifiers: ClinVar variation 1408512 (VCV001408512.6), dbSNP rs2125124629, ClinGen allele CA351747502.